The following is an entry in ClinVar:

NM_025136.4(OPA3):c.301T>C (p.Tyr101His)

Genes: OPA3 (outer mitochondrial membrane lipid metabolism regulator OPA3; minus strand), OPA3-RTN2 (OPA3-RTN2 readthrough; minus strand). Cytogenetic location: 19q13.32.
Variant type: single nucleotide variant.
Coding change: c.301T>C on transcript NM_025136.4 (MANE Select); coding-DNA position 301, T replaced by C.
Protein change: p.Tyr101His; replaces tyrosine 101 with histidine.
Molecular consequence: missense variant. On other transcripts: intron variant (1).
Genome position (GRCh38, 1-based): chr19:45,553,753, A>G on the plus strand (T>C on the coding strand, the complement: OPA3 is on the minus strand). VCF-style: chr19-45553753-A-G. GRCh37 (hg19) VCF-style: chr19-46057011-A-G.
Other names: c.143-24297T>C (NM_001017989.3); short protein forms Y101H.
Identifiers: ClinVar variation 1034088 (VCV001034088.1), dbSNP rs1969377552, ClinGen allele CA406370860.
Genomic context (GRCh38, chr19:45,553,753, plus strand): 5'-CGTTCCAGGCAGCACGCTGCTCCTCCTCCTTGTGGCGCTGCTGCGCCTGGTGGCGCCAGT[A>G]CTCCAGCACTAGGCAGCCGCCGCCCACGATGAAGATGGTGGCTTCGCCCAGCAGCTCTGC-3'
Protein context (NP_079412.1, residues 91-111): IVGGGCLVLE[Tyr101His]WRHQAQQRHK

ClinVar aggregate classification (germline): Uncertain significance (1 of 4 stars; one submission).

Conditions:
Optic atrophy 3 (OPA3). Also called: OPTIC ATROPHY 3, AUTOSOMAL DOMINANT; Optic atrophy 3 with cataract; Optic atrophy, cataract, and neurologic disorder. Identifiers: Orphanet 67036, MedGen C1833809, MONDO:0008133, OMIM 165300.

Submission:

Baylor Genetics
Classification: Uncertain significance for Optic atrophy 3. Last evaluated: 2018-07-31. Review status: criteria provided, single submitter. Criteria: ACMG Guidelines, 2015. Collection method: clinical testing. Allele origin: de novo. Affected: yes.
Comment: This variant was determined to be of uncertain significance according to ACMG Guidelines, 2015 [PMID:25741868]. This variant has been previously reported in one family with autosomal dominant optic atrophy [PMID 28081242]

Literature cited by the submitters: PubMed 28081242.